The following is an entry in ClinVar:

NM_001111125.3(IQSEC2):c.3151C>G (p.Pro1051Ala)

Gene: IQSEC2 (IQ motif and Sec7 domain ArfGEF 2; minus strand). Cytogenetic location: Xp11.22.
Variant type: single nucleotide variant.
Coding change: c.3151C>G on transcript NM_001111125.3 (MANE Select); coding-DNA position 3151, C replaced by G.
Protein change: p.Pro1051Ala; replaces proline 1051 with alanine.
Molecular consequence: missense variant.
Genome position (GRCh38, 1-based): chrX:53,238,271, G>C on the plus strand (C>G on the coding strand, the complement: IQSEC2 is on the minus strand). VCF-style: chrX-53238271-G-C. GRCh37 (hg19) VCF-style: chrX-53267453-G-C.
Other names: c.3151C>G, p.Pro1051Ala (NM_001410736.1); c.2536C>G, p.Pro846Ala (NM_015075.2); short protein forms P1051A, P846A.
Identifiers: ClinVar variation 2116618 (VCV002116618.4), dbSNP rs2519706243, ClinGen allele CA413147003.

ClinVar aggregate classification (germline): Uncertain significance (1 of 4 stars; one submission).

Conditions:
Intellectual developmental disorder, X-linked 1. Also called: Atkin Flaitz Patil Smith syndrome; Intellectual disability, X-linked 1; MENTAL RETARDATION, X-LINKED 18; MENTAL RETARDATION, X-LINKED 78. Identifiers: Orphanet 777, MedGen C2931498, MONDO:0010656, OMIM 309530.

Allele frequency attached by ClinVar (database versions not stated): gnomAD exomes below 0.00001.
gnomAD v4.1: 2 of 1,211,704 alleles (0.00017%); highest among the groups gnomAD compares: Non-Finnish European, 0.00022%; no homozygotes.

Submission:

Labcorp Genetics (formerly Invitae), Labcorp
Classification: Uncertain significance for Intellectual developmental disorder, X-linked 1. Last evaluated: 2022-03-24. Review status: criteria provided, single submitter. Criteria: Invitae Variant Classification Sherloc (09022015). Collection method: clinical testing. Allele origin: germline.
Comment: In summary, the available evidence is currently insufficient to determine the role of this variant in disease. Therefore, it has been classified as a Variant of Uncertain Significance. Advanced modeling of protein sequence and biophysical properties (such as structural, functional, and spatial information, amino acid conservation, physicochemical variation, residue mobility, and thermodynamic stability) performed at Invitae indicates that this missense variant is not expected to disrupt IQSEC2 protein function. This variant has not been reported in the literature in individuals affected with IQSEC2-related conditions. This variant is not present in population databases (gnomAD no frequency). This sequence change replaces proline, which is neutral and non-polar, with alanine, which is neutral and non-polar, at codon 1051 of the IQSEC2 protein (p.Pro1051Ala).